The following is an entry in ClinVar:

ClinVar aggregate classification (germline): Uncertain significance (1 of 4 stars; one submission).

Conditions:
Hereditary sensory and autonomic neuropathy type 6. Also called: HSAN VI; Neuropathy, hereditary sensory and autonomic, type VI. Identifiers: Orphanet 314381, MedGen C3539003, MONDO:0013839, OMIM 614653.
Epidermolysis bullosa simplex 3, localized or generalized intermediate, with BP230 deficiency (EBS3). Also called: Epidermolysis bullosa simplex due to BP230 deficiency; Epidermolysis bullosa simplex, autosomal recessive 2. Identifiers: Orphanet 412181, MedGen C3809470, MONDO:0014180, OMIM 615425.

Allele frequency attached by ClinVar (database versions not stated): ExAC 0.00001; gnomAD exomes 0.00001 and 0.00002.
gnomAD v4.1: 12 of 1,614,222 alleles (0.00074%); highest among the groups gnomAD compares: South Asian, 0.013%; no homozygotes.

Submission:

Labcorp Genetics (formerly Invitae), Labcorp
Classification: Uncertain significance for Epidermolysis bullosa simplex 3, localized or generalized intermediate, with BP230 deficiency; Hereditary sensory and autonomic neuropathy type 6. Last evaluated: 2020-08-14. Review status: criteria provided, single submitter. Criteria: Invitae Variant Classification Sherloc (09022015). Collection method: clinical testing. Allele origin: germline.
Comment: This sequence change replaces serine with asparagine at codon 2485 of the DST protein (p.Ser2485Asn). The serine residue is highly conserved and there is a small physicochemical difference between serine and asparagine. This variant is present in population databases (rs760745500, ExAC 0.006%). This variant has not been reported in the literature in individuals with DST-related conditions. Algorithms developed to predict the effect of missense changes on protein structure and function (SIFT, PolyPhen-2, Align-GVGD) all suggest that this variant is likely to be disruptive, but these predictions have not been confirmed by published functional studies and their clinical significance is uncertain. In summary, the available evidence is currently insufficient to determine the role of this variant in disease. Therefore, it has been classified as a Variant of Uncertain Significance.

NM_001723.7(DST):c.7454G>A (p.Ser2485Asn)

Gene: DST (dystonin; minus strand). Cytogenetic location: 6p12.1.
Variant type: single nucleotide variant.
Coding change: c.7454G>A on transcript NM_001723.7 (MANE Plus Clinical); coding-DNA position 7454, G replaced by A.
Protein change: p.Ser2485Asn; replaces serine 2485 with asparagine.
Molecular consequence: missense variant. On other transcripts: intron variant (10).
Genome position (GRCh38, 1-based): chr6:56,616,013, C>T on the plus strand (G>A on the coding strand, the complement: DST is on the minus strand). VCF-style: chr6-56616013-C-T. GRCh37 (hg19) VCF-style: chr6-56480811-C-T.
Other names: c.4831-1529G>A (NM_001144769.5); c.4930-1529G>A (NM_001374722.1, NM_001374736.1); c.4957-1529G>A (NM_001374734.1); c.4417-1529G>A (NM_001144770.2); c.4297-1529G>A (NM_001374730.1, NM_001386100.1, NM_183380.4 and 1 more transcripts); c.3319-1529G>A (NM_015548.5); short protein forms S2485N.
Identifiers: ClinVar variation 1058560 (VCV001058560.8), dbSNP rs760745500, ClinGen allele CA3869961.
Genomic context (GRCh38, chr6:56,616,013, plus strand): 5'-TGCAAAGCTTCGGCCACCCGGTACTTTTTGCCAGTAAGAGGATCAATTATGCCCCCTGTA[C>T]TGACTTGGGCTTCAAGGCATCGGAGGGCAGTAATCCGATCAACCAAATTTCTACGGGAGG-3'
Protein context (NP_001714.1, residues 2475-2495): TALRCLEAQV[Ser2485Asn]TGGIIDPLTG